The following is an entry in ClinVar:

NM_000059.4(BRCA2):c.2588del (p.Asn863fs)

Gene: BRCA2 (BRCA2 DNA repair associated; plus strand). Cytogenetic location: 13q13.1.
Variant type: Deletion.
Coding change: c.2588del on transcript NM_000059.4 (MANE Select); coding-DNA position 2588, one base deleted (A; older notation c.2588delA).
Protein change: p.Asn863fs; shifts the reading frame from asparagine 863.
Molecular consequence: frameshift variant.
Genome position (GRCh38, 1-based): chr13:32,336,943, A deleted; the last of 7 consecutive A bases (chr13:32,336,937-32,336,943); deleting any one gives the same sequence. VCF-style (leftmost placement, unchanged base first): chr13-32336936-CA-C. GRCh37 (hg19) VCF-style: chr13-32911073-CA-C.
Other names: c.2588delA (NM_000059.4); short protein forms N863fs.
Identifiers: ClinVar variation 1012166 (VCV001012166.8), dbSNP rs80359335, ClinGen allele CA2082809665.

ClinVar aggregate classification (germline): Pathogenic. Review status: criteria provided, single submitter (1 of 4 stars). 2 submissions from 2 submitters: Pathogenic (1). 1 of the submissions does not count toward it. Last evaluated 2022-12-02.

Conditions:
Hereditary breast ovarian cancer syndrome. Also called: Hereditary breast and ovarian cancer syndrome (HBOC); Hereditary breast and/or ovarian cancer syndrome; BRCA1- and BRCA2-Associated Hereditary Breast and Ovarian Cancer; Hereditary breast and ovarian cancer syndrome; Hereditary breast and ovarian cancer; Breast and ovarian cancer. Identifiers: Orphanet 145, MedGen C0677776, MeSH D061325, MONDO:0003582. Disease mechanism: loss of function.
Familial cancer of breast. Also called: BREAST CANCER, FAMILIAL; Hereditary breast cancer; hereditary breast carcinoma. Identifiers: Orphanet 227535, MedGen C0346153, MONDO:0016419, OMIM 114480. Disease mechanism: loss of function.

Submissions (2):

Labcorp Genetics (formerly Invitae), Labcorp
Classification: Pathogenic for Hereditary breast ovarian cancer syndrome. Last evaluated: 2022-12-02. Review status: criteria provided, single submitter. Criteria: Invitae Variant Classification Sherloc (09022015). Collection method: clinical testing. Allele origin: germline.
Comment: For these reasons, this variant has been classified as Pathogenic. ClinVar contains an entry for this variant (Variation ID: 1012166). This variant has not been reported in the literature in individuals affected with BRCA2-related conditions. This variant is not present in population databases (gnomAD no frequency). This sequence change creates a premature translational stop signal (p.Asn863Ilefs*11) in the BRCA2 gene. It is expected to result in an absent or disrupted protein product. Loss-of-function variants in BRCA2 are known to be pathogenic (PMID: 20104584).

Genomic Center, National Cancer Institute
Classification: Pathogenic for Familial cancer of breast. Review status: no assertion criteria provided. Collection method: case-control. Allele origin: germline. Affected: yes. Not counted in ClinVar's aggregate classification.

Literature cited by the submitters: PubMed 20104584 (cited by Labcorp Genetics (formerly Invitae), Labcorp).